The following is an entry in ClinVar:

NM_021813.4(BACH2):c.2339C>G (p.Pro780Arg)

Gene: BACH2 (BACH transcriptional regulator 2; minus strand). Cytogenetic location: 6q15.
Variant type: single nucleotide variant.
Coding change: c.2339C>G on transcript NM_021813.4 (MANE Select); coding-DNA position 2339, C replaced by G.
Protein change: p.Pro780Arg; replaces proline 780 with arginine.
Molecular consequence: missense variant.
Genome position (GRCh38, 1-based): chr6:89,932,595, G>C on the plus strand (C>G on the coding strand, the complement: BACH2 is on the minus strand). VCF-style: chr6-89932595-G-C. GRCh37 (hg19) VCF-style: chr6-90642314-G-C.
Other names: c.2339C>G, p.Pro780Arg (NM_001170794.2); short protein forms P780R.
Identifiers: ClinVar variation 3709502 (VCV003709502.2).

ClinVar aggregate classification (germline): Uncertain significance (1 of 4 stars; one submission).

gnomAD v4.1: 3 of 1,613,946 alleles (0.00019%); highest among the groups gnomAD compares: Admixed American, 0.0017%; no homozygotes.

Submission:

Labcorp Genetics (formerly Invitae), Labcorp
Classification: Uncertain significance. Last evaluated: 2024-12-27. Review status: criteria provided, single submitter. Criteria: Invitae Variant Classification Sherloc (09022015). Collection method: clinical testing. Allele origin: germline.
Comment: This sequence change replaces proline, which is neutral and non-polar, with arginine, which is basic and polar, at codon 780 of the BACH2 protein (p.Pro780Arg). This variant is not present in population databases (gnomAD no frequency). This variant has not been reported in the literature in individuals affected with BACH2-related conditions. Invitae Evidence Modeling of protein sequence and biophysical properties (such as structural, functional, and spatial information, amino acid conservation, physicochemical variation, residue mobility, and thermodynamic stability) indicates that this missense variant is not expected to disrupt BACH2 protein function with a negative predictive value of 80%. In summary, the available evidence is currently insufficient to determine the role of this variant in disease. Therefore, it has been classified as a Variant of Uncertain Significance.